The following is an entry in ClinVar:

NM_022916.6(VPS33A):c.208C>T (p.Arg70Cys)

Gene: VPS33A (VPS33A core subunit of CORVET and HOPS complexes; minus strand). Cytogenetic location: 12q24.31.
Variant type: single nucleotide variant.
Coding change: c.208C>T on transcript NM_022916.6 (MANE Select); coding-DNA position 208, C replaced by T.
Protein change: p.Arg70Cys; replaces arginine 70 with cysteine.
Molecular consequence: missense variant.
Genome position (GRCh38, 1-based): chr12:122,263,660, G>A on the plus strand (C>T on the coding strand, the complement: VPS33A is on the minus strand). VCF-style: chr12-122263660-G-A. GRCh37 (hg19) VCF-style: chr12-122748207-G-A.
Other names: c.175C>T, p.Arg59Cys (NM_001351018.2); c.160C>T, p.Arg54Cys (NM_001351019.2); c.208C>T, p.Arg70Cys (NM_001351020.2, NM_001351021.2); short protein forms R54C, R59C, R70C.
Identifiers: ClinVar variation 1898244 (VCV001898244.6), dbSNP rs150472752, ClinGen allele CA6844671.

ClinVar aggregate classification (germline): Uncertain significance. Review status: criteria provided, multiple submitters, no conflicts (2 of 4 stars). 2 submissions from 2 submitters: Uncertain significance (2). Last evaluated 2022-07-30.

gnomAD v4.1: 17 of 1,612,978 alleles (0.0011%); highest among the groups gnomAD compares: Admixed American, 0.0033%; no homozygotes.

Submissions (2):

Labcorp Genetics (formerly Invitae), Labcorp
Classification: Uncertain significance. Last evaluated: 2022-07-30. Review status: criteria provided, single submitter. Criteria: Invitae Variant Classification Sherloc (09022015). Collection method: clinical testing. Allele origin: germline.
Comment: This sequence change replaces arginine, which is basic and polar, with cysteine, which is neutral and slightly polar, at codon 70 of the VPS33A protein (p.Arg70Cys). This variant is present in population databases (rs150472752, gnomAD 0.003%). This variant has not been reported in the literature in individuals affected with VPS33A-related conditions. Algorithms developed to predict the effect of missense changes on protein structure and function are either unavailable or do not agree on the potential impact of this missense change (SIFT: "Deleterious"; PolyPhen-2: "Benign"; Align-GVGD: "Class C0"). In summary, the available evidence is currently insufficient to determine the role of this variant in disease. Therefore, it has been classified as a Variant of Uncertain Significance.

Ambry Genetics
Classification: Uncertain significance. Last evaluated: 2022-04-12. Review status: criteria provided, single submitter. Criteria: Ambry Variant Classification Scheme 2023. Collection method: clinical testing. Allele origin: germline.